The following is an entry in ClinVar:

NM_001369268.1(ACAN):c.7121C>T (p.Pro2374Leu)

Gene: ACAN (aggrecan; plus strand). Cytogenetic location: 15q26.1.
Variant type: single nucleotide variant.
Coding change: c.7121C>T on transcript NM_001369268.1 (MANE Select); coding-DNA position 7121, C replaced by T.
Protein change: p.Pro2374Leu; replaces proline 2374 with leucine.
Molecular consequence: missense variant.
Genome position (GRCh38, 1-based): chr15:88,871,442, C>T. VCF-style: chr15-88871442-C-T. GRCh37 (hg19) VCF-style: chr15-89414673-C-T.
Other names: c.6893C>T, p.Pro2298Leu (NM_001135.4, NM_001411096.1); c.7007C>T, p.Pro2336Leu (NM_001411097.1, NM_013227.4); short protein forms P2336L, P2298L, P2374L.
Identifiers: ClinVar variation 1930161 (VCV001930161.5), dbSNP rs761543122, ClinGen allele CA7720565.

ClinVar aggregate classification (germline): Uncertain significance (1 of 4 stars; one submission).

Allele frequency attached by ClinVar (database versions not stated): TOPMed below 0.00001; gnomAD 0.00001; gnomAD exomes 0.00001; ExAC 0.00002.
gnomAD v4.1: 23 of 1,613,948 alleles (0.0014%); highest among the groups gnomAD compares: South Asian, 0.0044%; no homozygotes.

Submission:

Labcorp Genetics (formerly Invitae), Labcorp
Classification: Uncertain significance. Last evaluated: 2024-08-08. Review status: criteria provided, single submitter. Criteria: Invitae Variant Classification Sherloc (09022015). Collection method: clinical testing. Allele origin: germline.
Comment: This sequence change replaces proline, which is neutral and non-polar, with leucine, which is neutral and non-polar, at codon 2336 of the ACAN protein (p.Pro2336Leu). This variant is present in population databases (rs761543122, gnomAD 0.003%). This variant has not been reported in the literature in individuals affected with ACAN-related conditions. ClinVar contains an entry for this variant (Variation ID: 1930161). An algorithm developed to predict the effect of missense changes on protein structure and function (PolyPhen-2) suggests that this variant is likely to be disruptive. In summary, the available evidence is currently insufficient to determine the role of this variant in disease. Therefore, it has been classified as a Variant of Uncertain Significance.